The following is an entry in ClinVar:

ClinVar aggregate classification (germline): Uncertain significance. Review status: criteria provided, multiple submitters, no conflicts (2 of 4 stars). 2 submissions from 2 submitters: Uncertain significance (2). Last evaluated 2024-08-29.

Conditions:
Cardiovascular phenotype. Identifiers: MedGen CN230736.
Alstrom syndrome (ALMS). Identifiers: Orphanet 64, MedGen C0268425, MONDO:0008763, OMIM 203800.

Allele frequency attached by ClinVar (database versions not stated): TOPMed below 0.00001.
gnomAD v4.1: 9 of 1,603,668 alleles (0.00056%); highest among the groups gnomAD compares: Non-Finnish European, 0.00077%; no homozygotes.

Submissions (2):

Ambry Genetics
Classification: Uncertain significance for Cardiovascular phenotype. Last evaluated: 2024-08-29. Review status: criteria provided, single submitter. Criteria: Ambry Variant Classification Scheme 2023. Collection method: clinical testing. Allele origin: germline.
Comment: The p.S405C variant (also known as c.1214C>G), located in coding exon 5 of the ALMS1 gene, results from a C to G substitution at nucleotide position 1214. The serine at codon 405 is replaced by cysteine, an amino acid with dissimilar properties. This amino acid position is not conserved on limited sequence alignment. In addition, this alteration is predicted to be tolerated by in silico analysis. Based on the available evidence, the clinical significance of this variant remains unclear.

Labcorp Genetics (formerly Invitae), Labcorp
Classification: Uncertain significance for Alstrom syndrome. Last evaluated: 2022-07-29. Review status: criteria provided, single submitter. Criteria: Invitae Variant Classification Sherloc (09022015). Collection method: clinical testing. Allele origin: germline.
Comment: This sequence change replaces serine, which is neutral and polar, with cysteine, which is neutral and slightly polar, at codon 405 of the ALMS1 protein (p.Ser405Cys). This variant is not present in population databases (gnomAD no frequency). This variant has not been reported in the literature in individuals affected with ALMS1-related conditions. Experimental studies and prediction algorithms are not available or were not evaluated, and the functional significance of this variant is currently unknown. Algorithms developed to predict the effect of sequence changes on RNA splicing suggest that this variant may disrupt the consensus splice site. In summary, the available evidence is currently insufficient to determine the role of this variant in disease. Therefore, it has been classified as a Variant of Uncertain Significance.

NM_001378454.1(ALMS1):c.1211C>G (p.Ser404Cys)

Gene: ALMS1 (ALMS1 centrosome and basal body associated protein; plus strand). Cytogenetic location: 2p13.1.
Variant type: single nucleotide variant.
Coding change: c.1211C>G on transcript NM_001378454.1 (MANE Select); coding-DNA position 1211, C replaced by G.
Protein change: p.Ser404Cys; replaces serine 404 with cysteine.
Molecular consequence: missense variant.
Genome position (GRCh38, 1-based): chr2:73,424,876, C>G. VCF-style: chr2-73424876-C-G. GRCh37 (hg19) VCF-style: chr2-73652004-C-G.
Other names: c.1214C>G, p.Ser405Cys (NM_015120.4); short protein forms S405C, S404C.
Identifiers: ClinVar variation 2147662 (VCV002147662.2), dbSNP rs1433147517, ClinGen allele CA347261738.